The following is an entry in ClinVar:

ClinVar aggregate classification (germline): Likely pathogenic (1 of 4 stars; one submission).

Submission:

GeneDx
Classification: Likely pathogenic. Last evaluated: 2026-02-05. Review status: criteria provided, single submitter. Criteria: GeneDx Variant Classification Process June 2021. Collection method: clinical testing. Allele origin: germline.
Comment: Frameshift variant predicted to result in protein truncation or nonsense mediated decay in a gene for which loss of function is a known mechanism of disease; Not observed at significant frequency in large population cohorts (gnomAD); Has not been previously published as pathogenic or benign to our knowledge

NM_002887.4(RARS1):c.845_848del (p.Thr282fs)

Gene: RARS1 (arginyl-tRNA synthetase 1; plus strand). Cytogenetic location: 5q34.
Variant type: Deletion.
Coding change: c.845_848del on transcript NM_002887.4 (MANE Select); coding-DNA positions 845 to 848, 4 bases deleted (CTGA; older notation c.845_848delCTGA).
Protein change: p.Thr282fs; shifts the reading frame from threonine 282.
Molecular consequence: frameshift variant.
Genome position (GRCh38, 1-based): chr5:168,500,613-168,500,616, CTGA deleted; deleting any 4 consecutive bases within chr5:168,500,612-168,500,616 gives the same sequence; the c. name uses the placement nearest the transcript's 3' end. VCF-style (leftmost placement, unchanged base first): chr5-168500611-TACTG-T. GRCh37 (hg19) VCF-style: chr5-167927616-TACTG-T.
Other names: short protein forms T282fs.
Identifiers: ClinVar variation 4975153 (VCV004975153.1).